The following is an entry in ClinVar:

ClinVar aggregate classification (germline): Uncertain significance (1 of 4 stars; one submission).

Conditions:
Legius syndrome. Identifiers: Orphanet 137605, MedGen C1969623, MONDO:0012669, OMIM 611431. Disease mechanism: loss of function.

Submission:

Labcorp Genetics (formerly Invitae), Labcorp
Classification: Uncertain significance for Legius syndrome. Last evaluated: 2022-12-16. Review status: criteria provided, single submitter. Criteria: Invitae Variant Classification Sherloc (09022015). Collection method: clinical testing. Allele origin: germline.
Comment: Advanced modeling of protein sequence and biophysical properties (such as structural, functional, and spatial information, amino acid conservation, physicochemical variation, residue mobility, and thermodynamic stability) performed at Invitae indicates that this missense variant is not expected to disrupt SPRED1 protein function. This sequence change replaces lysine, which is basic and polar, with arginine, which is basic and polar, at codon 321 of the SPRED1 protein (p.Lys321Arg). This variant is not present in population databases (gnomAD no frequency). This variant has not been reported in the literature in individuals affected with SPRED1-related conditions. In summary, the available evidence is currently insufficient to determine the role of this variant in disease. Therefore, it has been classified as a Variant of Uncertain Significance.

NM_152594.3(SPRED1):c.962A>G (p.Lys321Arg)

Gene: SPRED1 (sprouty related EVH1 domain containing 1; plus strand). Cytogenetic location: 15q14.
Variant type: single nucleotide variant.
Coding change: c.962A>G on transcript NM_152594.3 (MANE Select); coding-DNA position 962, A replaced by G.
Protein change: p.Lys321Arg; replaces lysine 321 with arginine.
Molecular consequence: missense variant.
Genome position (GRCh38, 1-based): chr15:38,351,291, A>G. VCF-style: chr15-38351291-A-G. GRCh37 (hg19) VCF-style: chr15-38643492-A-G.
Other names: short protein forms K321R.
Identifiers: ClinVar variation 2821493 (VCV002821493.3), dbSNP rs2542743236, ClinGen allele CA391933636.